The following is an entry in ClinVar:

ClinVar aggregate classification (germline): Likely pathogenic (1 of 4 stars; one submission).

Conditions:
PEX13-related disorder. Also called: PEX13-related condition; PEX13-related disorders.

Submission:

PreventionGenetics, part of Exact Sciences
Classification: Likely pathogenic for PEX13-related condition. Last evaluated: 2025-09-04. Review status: criteria provided, single submitter. Criteria: ACMG Guidelines, 2015. Collection method: clinical testing. Allele origin: germline.
Comment: The PEX13 c.632G>A variant is predicted to result in premature protein termination (p.Trp211*). To our knowledge, this variant has not been reported in the literature or in a large population database (gnomAD), indicating this variant is rare. Nonsense variants in PEX13 are expected to be pathogenic. This variant is interpreted as likely pathogenic.

NM_002618.4(PEX13):c.632G>A (p.Trp211Ter)

Gene: PEX13 (peroxisomal biogenesis factor 13; plus strand). Cytogenetic location: 2p15.
Variant type: single nucleotide variant.
Coding change: c.632G>A on transcript NM_002618.4 (MANE Select); coding-DNA position 632, G replaced by A.
Protein change: p.Trp211Ter; replaces tryptophan 211 with a stop codon.
Molecular consequence: nonsense.
Genome position (GRCh38, 1-based): chr2:61,031,958, G>A. VCF-style: chr2-61031958-G-A. GRCh37 (hg19) VCF-style: chr2-61259093-G-A.
Other names: short protein forms W211*.
Identifiers: ClinVar variation 4983127 (VCV004983127.1).